The following is an entry in ClinVar:

NM_014305.4(TGDS):c.180T>A (p.Asn60Lys)

Gene: TGDS (TDP-glucose 4,6-dehydratase; minus strand). Cytogenetic location: 13q32.1.
Variant type: single nucleotide variant.
Coding change: c.180T>A on transcript NM_014305.4 (MANE Select); coding-DNA position 180, T replaced by A.
Protein change: p.Asn60Lys; replaces asparagine 60 with lysine.
Molecular consequence: missense variant. On other transcripts: non-coding transcript variant (2).
Genome position (GRCh38, 1-based): chr13:94,592,283, A>T on the plus strand (T>A on the coding strand, the complement: TGDS is on the minus strand). VCF-style: chr13-94592283-A-T. GRCh37 (hg19) VCF-style: chr13-95244537-A-T.
Other names: c.180T>A (NM_014305.3); c.84T>A, p.Asn28Lys (NM_001304430.2); short protein forms N60K, N28K.
Identifiers: ClinVar variation 521406 (VCV000521406.6), dbSNP rs764401457, ClinGen allele CA7018128.

ClinVar aggregate classification (germline): Uncertain significance. Review status: criteria provided, multiple submitters, no conflicts (2 of 4 stars). 2 submissions from 2 submitters: Uncertain significance (2). Last evaluated 2026-06-22.

Conditions:
Inborn genetic diseases. Identifiers: MedGen C0950123, MeSH D030342.

Allele frequency attached by ClinVar (database versions not stated): gnomAD exomes below 0.00001 and 0.00001; TOPMed 0.00001; ExAC 0.00002.
gnomAD v4.1: 2 of 1,611,032 alleles (0.00012%); highest among the groups gnomAD compares: Admixed American, 0.0034%; no homozygotes.

Submissions (2):

Ambry Genetics
Classification: Uncertain significance for Inborn genetic diseases. Last evaluated: 2026-06-22. Review status: criteria provided, single submitter. Criteria: Ambry Variant Classification Scheme 2023. Collection method: clinical testing. Allele origin: germline.
Comment: The c.180T>A (p.N60K) alteration is located in coding exon 3 of the TGDS gene. This alteration results from a T to A substitution at nucleotide position 180, causing the asparagine (N) at amino acid position 60 to be replaced by a lysine (K). Based on data from gnomAD, the A allele has an overall frequency of 0.001% (2/247542) total alleles studied. The highest observed frequency was 0.006% (2/33526) of Latino alleles. This amino acid position is highly conserved in available vertebrate species. The in silico prediction for this alteration is inconclusive. Based on insufficient or conflicting evidence, the clinical significance of this alteration remains unclear.

GeneDx
Classification: Uncertain significance. Last evaluated: 2024-11-26. Review status: criteria provided, single submitter. Criteria: GeneDx Variant Classification Process June 2021. Collection method: clinical testing. Allele origin: germline. Affected: yes.
Comment: Not observed at significant frequency in large population cohorts (gnomAD); In silico analysis supports that this missense variant has a deleterious effect on protein structure/function; Has not been previously published as pathogenic or benign to our knowledge